The following is an entry in ClinVar:

ClinVar aggregate classification (germline): Uncertain significance (1 of 4 stars; one submission).

Conditions:
Hereditary sensory and autonomic neuropathy type 6. Also called: HSAN VI; Neuropathy, hereditary sensory and autonomic, type VI. Identifiers: Orphanet 314381, MedGen C3539003, MONDO:0013839, OMIM 614653.
Epidermolysis bullosa simplex 3, localized or generalized intermediate, with BP230 deficiency (EBS3). Also called: Epidermolysis bullosa simplex, autosomal recessive 2; Epidermolysis bullosa simplex due to BP230 deficiency. Identifiers: Orphanet 412181, MedGen C3809470, MONDO:0014180, OMIM 615425.

Submission:

Labcorp Genetics (formerly Invitae), Labcorp
Classification: Uncertain significance for Epidermolysis bullosa simplex 3, localized or generalized intermediate, with BP230 deficiency; Hereditary sensory and autonomic neuropathy type 6. Last evaluated: 2025-01-20. Review status: criteria provided, single submitter. Criteria: Invitae Variant Classification Sherloc (09022015). Collection method: clinical testing. Allele origin: germline.
Comment: The DST gene has multiple clinically relevant transcripts. This variant occurs in alternate transcript NM_015548.4, and corresponds to NM_001723.5:c.*117570A>G in the primary transcript. This sequence change replaces glutamine, which is neutral and polar, with arginine, which is basic and polar, at codon 4045 of the DST protein (p.Gln4045Arg). This variant is not present in population databases (gnomAD no frequency). This variant has not been reported in the literature in individuals affected with DST-related conditions. Experimental studies and prediction algorithms are not available or were not evaluated, and the functional significance of this variant is currently unknown. In summary, the available evidence is currently insufficient to determine the role of this variant in disease. Therefore, it has been classified as a Variant of Uncertain Significance.

NM_001374736.1(DST):c.20003A>G (p.Gln6668Arg)

Gene: DST (dystonin; minus strand). Cytogenetic location: 6p12.1.
Variant type: single nucleotide variant.
Coding change: c.20003A>G on transcript NM_001374736.1 (MANE Select); coding-DNA position 20003, A replaced by G.
Protein change: p.Gln6668Arg; replaces glutamine 6668 with arginine.
Molecular consequence: missense variant.
Genome position (GRCh38, 1-based): chr6:56,497,947, T>C on the plus strand (A>G on the coding strand, the complement: DST is on the minus strand). VCF-style: chr6-56497947-T-C. GRCh37 (hg19) VCF-style: chr6-56362745-T-C.
Other names: c.13646A>G, p.Gln4549Arg (NM_001144769.5); c.13232A>G, p.Gln4411Arg (NM_001144770.2); c.20003A>G, p.Gln6668Arg (NM_001374722.1); c.19043A>G, p.Gln6348Arg (NM_001374729.1); c.12785A>G, p.Gln4262Arg (NM_001374730.1); c.20030A>G, p.Gln6677Arg (NM_001374734.1); c.13112A>G, p.Gln4371Arg (NM_001386100.1, NM_183380.4); c.12134A>G, p.Gln4045Arg (NM_015548.5); short protein forms Q4045R, Q4262R, Q6348R, Q6677R, Q4549R, Q4371R, Q4411R, Q6668R.
Identifiers: ClinVar variation 1469106 (VCV001469106.6), dbSNP rs2152453342, ClinGen allele CA364519281.